The following is an entry in ClinVar:

ClinVar aggregate classification (germline): Pathogenic/Likely pathogenic. Review status: criteria provided, multiple submitters, no conflicts (2 of 4 stars). 3 submissions from 3 submitters: Pathogenic (1); Likely pathogenic (1). 1 of the submissions does not count toward it. Last evaluated 2025-01-09.

Conditions:
Autosomal recessive nonsyndromic hearing loss 9. Also called: Deafness, autosomal recessive 9; NEUROSENSORY NONSYNDROMIC RECESSIVE DEAFNESS 9; OTOF-Related Hearing Loss; AUDITORY NEUROPATHY, AUTOSOMAL RECESSIVE, 1, TEMPERATURE-SENSITIVE. Identifiers: Orphanet 90636, MedGen C1832828, MONDO:0010986, OMIM 601071.

Submissions (3):

Institute of Rare Diseases, West China Hospital, Sichuan University
Classification: Pathogenic for Autosomal recessive nonsyndromic hearing loss 9. Last evaluated: 2025-01-09. Review status: criteria provided, single submitter. Criteria: ClinGen HL ACMG Specifications v1. Collection method: research. Allele origin: germline. Affected: yes.

GeneDx
Classification: Likely pathogenic. Last evaluated: 2024-11-26. Review status: criteria provided, single submitter. Criteria: GeneDx Variant Classification Process June 2021. Collection method: clinical testing. Allele origin: germline. Affected: yes.
Comment: Not observed at significant frequency in large population cohorts (gnomAD); In silico analysis supports that this missense variant has a deleterious effect on protein structure/function; This variant is associated with the following publications: (PMID: 36597107)

Diagnosis and Treatment Center of Genetic Hearing Loss, Eye & ENT Hospital of Fudan University
Classification: Likely pathogenic for Autosomal recessive nonsyndromic hearing loss 9. Last evaluated: 2026-02-04. Review status: no assertion criteria provided. Collection method: clinical testing. Allele origin: germline. Inheritance: Autosomal recessive inheritance. Affected: yes. Not counted in ClinVar's aggregate classification.
Comment: The c.5668T>C missense variant in OTOF is absent from population databases (PM2_Supporting). One homozygous patient has been reported; The REVEL score is 0.893 (PP3_Moderate). The phenotype is highly consistent with auditory neuropathy (PP4).

Literature cited by the submitters: PubMed 36597107 (cited by Diagnosis and Treatment Center of Genetic Hearing Loss, Eye & ENT Hospital of Fudan University).

NM_194248.3(OTOF):c.5668T>C (p.Trp1890Arg)

Gene: OTOF (otoferlin; minus strand). Cytogenetic location: 2p23.3.
Variant type: single nucleotide variant.
Coding change: c.5668T>C on transcript NM_194248.3 (MANE Select); coding-DNA position 5668, T replaced by C.
Protein change: p.Trp1890Arg; replaces tryptophan 1890 with arginine.
Molecular consequence: missense variant.
Genome position (GRCh38, 1-based): chr2:26,460,896, A>G on the plus strand (T>C on the coding strand, the complement: OTOF is on the minus strand). VCF-style: chr2-26460896-A-G. GRCh37 (hg19) VCF-style: chr2-26683764-A-G.
Other names: c.5668T>C, p.Trp1890Arg (NM_001287489.2); c.3367T>C, p.Trp1123Arg (NM_004802.4, NM_194323.3); c.3598T>C, p.Trp1200Arg (NM_194322.3); short protein forms W1123R, W1200R, W1890R.
Identifiers: ClinVar variation 1211668 (VCV001211668.7), dbSNP rs1572399566, ClinGen allele CA346129808.